The following is an entry in ClinVar:

NM_000426.4(LAMA2):c.4106del (p.Thr1369fs)

Gene: LAMA2 (laminin subunit alpha 2; plus strand). Cytogenetic location: 6q22.33.
Variant type: Deletion.
Coding change: c.4106del on transcript NM_000426.4 (MANE Select); coding-DNA position 4106, one base deleted (C; older notation c.4106delC).
Protein change: p.Thr1369fs; shifts the reading frame from threonine 1369.
Molecular consequence: frameshift variant.
Genome position (GRCh38, 1-based): chr6:129,320,585, C deleted. VCF-style (leftmost placement, unchanged base first): chr6-129320584-AC-A. GRCh37 (hg19) VCF-style: chr6-129641729-AC-A.
Other names: c.4106del, p.Thr1369fs (NM_001079823.2); short protein forms T1369fs.
Identifiers: ClinVar variation 1724725 (VCV001724725.3), dbSNP rs2482439771, ClinGen allele CA2580074959.
Genomic context (GRCh38, chr6:129,320,584, plus strand): 5'-CTCGCTGTTTCTAGGATTTCTGAAATCTCAATGGAGGTAGCTGAACAAGGACGTGGAACA[AC>A]AATGACTCCTCCAGCTGACTTGATTGAAAAATGTGATTGTCCCCTGGGCTATTCTGGCCT-3'

ClinVar aggregate classification (germline): Likely pathogenic (1 of 4 stars; one submission).

Conditions:
LAMA2-related muscular dystrophy (LAMA2-RD). Also called: Laminin alpha 2-related dystrophy. Identifiers: MedGen C5679788, MONDO:0100228.

Submission:

Myriad Genetics, Inc.
Classification: Likely pathogenic for LAMA2-related muscular dystrophy. Last evaluated: 2021-11-18. Review status: criteria provided, single submitter. Criteria: Myriad Autosomal Dominant, Autosomal Recessive and X-Linked Classification Criteria (2023). Collection method: clinical testing. Allele origin: unknown.
Comment: NM_000426.3(LAMA2):c.4106delC(T1369Kfs*2) is expected to be pathogenic in the context of muscular dystrophy, LAMA2-related. This variant is predicted to lead to an abnormal or absent protein product due to the creation of a premature termination codon in LAMA2, a gene where loss-of-function variants are known to be pathogenic. Please note: this variant was assessed in the context of healthy population screening.